The following is an entry in ClinVar:

ClinVar aggregate classification (germline): Uncertain significance. Review status: criteria provided, multiple submitters, no conflicts (2 of 4 stars). 2 submissions from 2 submitters: Uncertain significance (2). Last evaluated 2023-03-20.

Conditions:
Left ventricular noncompaction 8 (LVNC8). Identifiers: Orphanet 154, Orphanet 54260, MedGen C3809288, MONDO:0014152, OMIM 615373.

gnomAD v4.1: 10 of 1,609,472 alleles (0.00062%); highest among the groups gnomAD compares: Non-Finnish European, 0.00085%; no homozygotes.

Submissions (2):

Blueprint Genetics
Classification: Uncertain significance. Last evaluated: 2023-03-20. Review status: criteria provided, single submitter. Criteria: ACMG Guidelines, 2015. Collection method: clinical testing. Allele origin: germline.

Labcorp Genetics (formerly Invitae), Labcorp
Classification: Uncertain significance for Left ventricular noncompaction 8. Last evaluated: 2022-07-05. Review status: criteria provided, single submitter. Criteria: Invitae Variant Classification Sherloc (09022015). Collection method: clinical testing. Allele origin: germline.
Comment: In summary, the available evidence is currently insufficient to determine the role of this variant in disease. Therefore, it has been classified as a Variant of Uncertain Significance. Algorithms developed to predict the effect of missense changes on protein structure and function are either unavailable or do not agree on the potential impact of this missense change (SIFT: "Deleterious"; PolyPhen-2: "Possibly Damaging"; Align-GVGD: "Class C0"). ClinVar contains an entry for this variant (Variation ID: 849151). This variant has not been reported in the literature in individuals affected with PRDM16-related conditions. This variant is present in population databases (rs141374404, gnomAD 0.0009%). This sequence change replaces arginine, which is basic and polar, with proline, which is neutral and non-polar, at codon 288 of the PRDM16 protein (p.Arg288Pro).

NM_022114.4(PRDM16):c.863G>C (p.Arg288Pro)

Gene: PRDM16 (PR/SET domain 16; plus strand). Cytogenetic location: 1p36.32.
Variant type: single nucleotide variant.
Coding change: c.863G>C on transcript NM_022114.4 (MANE Select); coding-DNA position 863, G replaced by C.
Protein change: p.Arg288Pro; replaces arginine 288 with proline.
Molecular consequence: missense variant.
Genome position (GRCh38, 1-based): chr1:3,402,977, G>C. VCF-style: chr1-3402977-G-C. GRCh37 (hg19) VCF-style: chr1-3319541-G-C.
Other names: c.863G>C, p.Arg288Pro (NM_199454.3); short protein forms R288P.
Identifiers: ClinVar variation 849151 (VCV000849151.10), dbSNP rs141374404, ClinGen allele CA543981.